The following is an entry in ClinVar:

NM_173500.4(TTBK2):c.3227G>A (p.Arg1076Gln)

Gene: TTBK2 (tau tubulin kinase 2; minus strand). Cytogenetic location: 15q15.2.
Variant type: single nucleotide variant.
Coding change: c.3227G>A on transcript NM_173500.4 (MANE Select); coding-DNA position 3227, G replaced by A.
Protein change: p.Arg1076Gln; replaces arginine 1076 with glutamine.
Molecular consequence: missense variant.
Genome position (GRCh38, 1-based): chr15:42,752,019, C>T on the plus strand (G>A on the coding strand, the complement: TTBK2 is on the minus strand). VCF-style: chr15-42752019-C-T. GRCh37 (hg19) VCF-style: chr15-43044217-C-T.
Other names: short protein forms R1076Q.
Identifiers: ClinVar variation 3705126 (VCV003705126.2).

ClinVar aggregate classification (germline): Uncertain significance (1 of 4 stars; one submission).

gnomAD v4.1: 30 of 1,613,922 alleles (0.0019%); highest among the groups gnomAD compares: African/African-American, 0.0027%; no homozygotes.

Submission:

Labcorp Genetics (formerly Invitae), Labcorp
Classification: Uncertain significance. Last evaluated: 2024-09-09. Review status: criteria provided, single submitter. Criteria: Invitae Variant Classification Sherloc (09022015). Collection method: clinical testing. Allele origin: germline.
Comment: This sequence change replaces arginine, which is basic and polar, with glutamine, which is neutral and polar, at codon 1076 of the TTBK2 protein (p.Arg1076Gln). This variant is present in population databases (rs570976750, gnomAD 0.003%). This variant has not been reported in the literature in individuals affected with TTBK2-related conditions. An algorithm developed to predict the effect of missense changes on protein structure and function (PolyPhen-2) suggests that this variant is likely to be disruptive. In summary, the available evidence is currently insufficient to determine the role of this variant in disease. Therefore, it has been classified as a Variant of Uncertain Significance.